The following is an entry in ClinVar:

ClinVar aggregate classification (germline): Uncertain significance (1 of 4 stars; one submission).

Conditions:
Cortical dysplasia-focal epilepsy syndrome (PTHSL1). Also called: Pitt-Hopkins-like syndrome 1. Identifiers: Orphanet 163681, Orphanet 221150, MedGen C2750246, MONDO:0012400, OMIM 610042.

gnomAD v4.1: 7 of 1,614,216 alleles (0.00043%); highest among the groups gnomAD compares: South Asian, 0.0033%; no homozygotes.

Submission:

Labcorp Genetics (formerly Invitae), Labcorp
Classification: Uncertain significance for Cortical dysplasia-focal epilepsy syndrome. Last evaluated: 2025-11-17. Review status: criteria provided, single submitter. Criteria: Invitae Variant Classification Sherloc (09022015). Collection method: clinical testing. Allele origin: germline.
Comment: This sequence change replaces serine, which is neutral and polar, with leucine, which is neutral and non-polar, at codon 1200 of the CNTNAP2 protein (p.Ser1200Leu). This variant is present in population databases (rs778312206, gnomAD 0.003%). This missense change has been observed in individual(s) with CNTNAP2-related conditions (PMID: 31144778). An algorithm developed to predict the effect of missense changes on protein structure and function (PolyPhen-2) suggests that this variant is likely to be tolerated. In summary, the available evidence is currently insufficient to determine the role of this variant in disease. Therefore, it has been classified as a Variant of Uncertain Significance.

Literature cited by the submitters: PubMed 31144778.

NM_014141.6(CNTNAP2):c.3599C>T (p.Ser1200Leu)

Gene: CNTNAP2 (contactin associated protein 2; plus strand). Cytogenetic location: 7q36.1.
Variant type: single nucleotide variant.
Coding change: c.3599C>T on transcript NM_014141.6 (MANE Select); coding-DNA position 3599, C replaced by T.
Protein change: p.Ser1200Leu; replaces serine 1200 with leucine.
Molecular consequence: missense variant.
Genome position (GRCh38, 1-based): chr7:148,383,772, C>T. VCF-style: chr7-148383772-C-T. GRCh37 (hg19) VCF-style: chr7-148080864-C-T.
Other names: short protein forms S1200L.
Identifiers: ClinVar variation 4805895 (VCV004805895.1).